The following is an entry in ClinVar:

NM_002386.4(MC1R):c.-356A>G

Gene: MC1R (melanocortin 1 receptor; plus strand). Cytogenetic location: 16q24.3.
Variant type: single nucleotide variant.
Coding change: c.-356A>G on transcript NM_002386.4 (MANE Select); 356 bases upstream of the start codon, A replaced by G.
Molecular consequence: 5 prime UTR variant.
Genome position (GRCh38, 1-based): chr16:89,918,903, A>G. VCF-style: chr16-89918903-A-G. GRCh37 (hg19) VCF-style: chr16-89985311-A-G.
Identifiers: ClinVar variation 321406 (VCV000321406.6), dbSNP rs76337330, ClinGen allele CA10648424.

ClinVar aggregate classification (germline): Benign. Review status: criteria provided, multiple submitters, no conflicts (2 of 4 stars). 2 submissions from 2 submitters: Benign (2). Last evaluated 2018-01-13.

Conditions:
Melanoma, cutaneous malignant, susceptibility to, 5. Also called: Cutaneous malignant melanoma 5. Identifiers: Orphanet 618, MedGen C2751295, MONDO:0013133, OMIM 613099.

Allele frequency attached by ClinVar (database versions not stated): gnomAD exomes 0.00957; gnomAD 0.00704 and 0.00944; 1000 Genomes Project 0.02137; TOPMed 0.00730; 1000 Genomes Project 30x 0.02030.
gnomAD v4.1: 2,731 of 289,956 alleles (0.94%); highest among the groups gnomAD compares: South Asian, 6.8%; 37 homozygotes.

Submissions (2):

Illumina Laboratory Services, Illumina
Classification: Benign for Melanoma, cutaneous malignant, susceptibility to, 5. Last evaluated: 2018-01-13. Review status: criteria provided, single submitter. Criteria: ICSL Variant Classification Criteria 13 December 2019. Collection method: clinical testing. Allele origin: germline.
Comment: This variant was observed in the ICSL laboratory as part of a predisposition screen in an ostensibly healthy population. It had not been previously curated by ICSL or reported in the Human Gene Mutation Database (HGMD: prior to June 1st, 2018), and was therefore a candidate for classification through an automated scoring system. Utilizing variant allele frequency, disease prevalence and penetrance estimates, and inheritance mode, an automated score was calculated to assess if this variant is too frequent to cause the disease. Based on the score and internal cut-off values, a variant classified as benign is not then subjected to further curation. The score for this variant resulted in a classification of benign for this disease.

Breakthrough Genomics
Classification: Benign. Review status: criteria provided, single submitter. Criteria: ACMG Guidelines, 2015. Collection method: not provided. Allele origin: germline. Inheritance: Autosomal recessive inheritance. Affected: yes.